The following is an entry in ClinVar:

NM_016156.6(MTMR2):c.655-82T>C

Gene: MTMR2 (myotubularin related protein 2; minus strand). Cytogenetic location: 11q21.
Variant type: single nucleotide variant.
Coding change: c.655-82T>C on transcript NM_016156.6 (MANE Select); 82 bases into the intron before coding-DNA position 655, T replaced by C.
Molecular consequence: intron variant.
Genome position (GRCh38, 1-based): chr11:95,850,831, A>G on the plus strand (T>C on the coding strand, the complement: MTMR2 is on the minus strand). VCF-style: chr11-95850831-A-G. GRCh37 (hg19) VCF-style: chr11-95583995-A-G.
Other names: c.439-82T>C (NM_201281.3, NM_201278.3, NM_001243571.2).
Identifiers: ClinVar variation 683215 (VCV000683215.2), dbSNP rs474442, ClinGen allele CA13535461.
Genomic context (GRCh38, chr11:95,850,831, plus strand): 5'-AGACAAATTACTATATAACTAAAATATTAAACGACACCAGGACAGAAGCCATCCTGTTCA[A>G]TCTCTCTGACCTCTACTATCCATCTCCTAAAGTGTTGGGATAGTTGTTGTCAGCCTGTGG-3'

ClinVar aggregate classification (germline): Benign. Review status: criteria provided, multiple submitters, no conflicts (2 of 4 stars). 2 submissions from 2 submitters: Benign (2). Last evaluated 2018-06-14.

Allele frequency attached by ClinVar (database versions not stated): 1000 Genomes Project 30x 0.19909; 1000 Genomes Project 0.20347; gnomAD 0.27462 and 0.27768; TOPMed 0.27471; gnomAD exomes 0.35096.
gnomAD v4.1: 455,678 of 1,331,400 alleles (34%); highest among the groups gnomAD compares: Non-Finnish European, 38%; 83,547 homozygotes.

Submissions (2):

GeneDx
Classification: Benign. Last evaluated: 2018-06-14. Review status: criteria provided, single submitter. Criteria: GeneDx Variant Classification (06012015). Collection method: clinical testing. Allele origin: germline. Affected: yes.
Comment: This variant is considered likely benign or benign based on one or more of the following criteria: it is a conservative change, it occurs at a poorly conserved position in the protein, it is predicted to be benign by multiple in silico algorithms, and/or has population frequency not consistent with disease.

Breakthrough Genomics
Classification: Benign. Review status: criteria provided, single submitter. Criteria: ACMG Guidelines, 2015. Collection method: not provided. Allele origin: germline. Inheritance: Autosomal recessive inheritance. Affected: yes.